The following is an entry in ClinVar:

ClinVar aggregate classification (germline): Uncertain significance (1 of 4 stars; one submission).

Conditions:
Holoprosencephaly sequence (HPE). Also called: Holoprosencephaly. Identifiers: Orphanet 2162, MedGen C0079541, MONDO:0016296, HP:0001360.

Submission:

Labcorp Genetics (formerly Invitae), Labcorp
Classification: Uncertain significance for Holoprosencephaly sequence. Last evaluated: 2023-09-17. Review status: criteria provided, single submitter. Criteria: Invitae Variant Classification Sherloc (09022015). Collection method: clinical testing. Allele origin: germline.
Comment: Advanced modeling of protein sequence and biophysical properties (such as structural, functional, and spatial information, amino acid conservation, physicochemical variation, residue mobility, and thermodynamic stability) performed at Invitae indicates that this missense variant is not expected to disrupt FOXH1 protein function. In summary, the available evidence is currently insufficient to determine the role of this variant in disease. Therefore, it has been classified as a Variant of Uncertain Significance. This variant has not been reported in the literature in individuals affected with FOXH1-related conditions. This variant is not present in population databases (gnomAD no frequency). This sequence change replaces threonine, which is neutral and polar, with proline, which is neutral and non-polar, at codon 286 of the FOXH1 protein (p.Thr286Pro).

NM_003923.3(FOXH1):c.856A>C (p.Thr286Pro)

Gene: FOXH1 (forkhead box H1; minus strand). Cytogenetic location: 8q24.3.
Variant type: single nucleotide variant.
Coding change: c.856A>C on transcript NM_003923.3 (MANE Select); coding-DNA position 856, A replaced by C.
Protein change: p.Thr286Pro; replaces threonine 286 with proline.
Molecular consequence: missense variant.
Genome position (GRCh38, 1-based): chr8:144,474,480, T>G on the plus strand (A>C on the coding strand, the complement: FOXH1 is on the minus strand). VCF-style: chr8-144474480-T-G. GRCh37 (hg19) VCF-style: chr8-145699863-T-G.
Other names: short protein forms T286P.
Identifiers: ClinVar variation 2761222 (VCV002761222.3), dbSNP rs949126117, ClinGen allele CA372723421.